The following is an entry in ClinVar:

NM_001382391.1(CSPP1):c.1975+4C>T

Gene: CSPP1 (centrosome and spindle pole associated protein 1; plus strand). Cytogenetic location: 8q13.2.
Variant type: single nucleotide variant.
Coding change: c.1975+4C>T on transcript NM_001382391.1 (MANE Select); 4 bases into the intron after coding-DNA position 1975, C replaced by T.
Molecular consequence: intron variant.
Genome position (GRCh38, 1-based): chr8:67,137,607, C>T. VCF-style: chr8-67137607-C-T. GRCh37 (hg19) VCF-style: chr8-68049842-C-T.
Other names: c.1933+4C>T (NM_001363132.2); c.1894+4C>T (NM_001363131.2); c.1852+4C>T (NM_001363133.2); c.2041+4C>T (NM_001364869.1); c.1960+4C>T (NM_024790.7, NM_001438331.1, NM_001438330.1); c.1861+4C>T (NM_001364870.1); c.1429+4C>T (NM_001438332.1); c.1078+4C>T (NM_001291339.2).
Identifiers: ClinVar variation 1021140 (VCV001021140.4), dbSNP rs779380282, ClinGen allele CA4770696.

ClinVar aggregate classification (germline): Uncertain significance (1 of 4 stars; one submission).

Conditions:
Joubert syndrome 21 (JBTS21). Identifiers: MedGen C3810212, MONDO:0014288, OMIM 615636.

Allele frequency attached by ClinVar (database versions not stated): ExAC 0.00001; gnomAD exomes 0.00001 and 0.00002; TOPMed 0.00002; gnomAD 0.00003.
gnomAD v4.1: 13 of 1,509,880 alleles (0.00086%); highest among the groups gnomAD compares: East Asian, 0.0024%; no homozygotes.

Submission:

Labcorp Genetics (formerly Invitae), Labcorp
Classification: Uncertain significance for Joubert syndrome 21. Last evaluated: 2020-08-20. Review status: criteria provided, single submitter. Criteria: Invitae Variant Classification Sherloc (09022015). Collection method: clinical testing. Allele origin: germline.
Comment: This sequence change falls in intron 15 of the CSPP1 gene. It does not directly change the encoded amino acid sequence of the CSPP1 protein, but it affects a nucleotide within the consensus splice site of the intron. This variant is present in population databases (rs779380282, ExAC 0.02%). This variant has not been reported in the literature in individuals with CSPP1-related conditions. Nucleotide substitutions within the consensus splice site are a relatively common cause of aberrant splicing (PMID: 17576681, 9536098). Algorithms developed to predict the effect of sequence changes on RNA splicing suggest that this variant is not likely to affect RNA splicing, but this prediction has not been confirmed by published transcriptional studies. In summary, the available evidence is currently insufficient to determine the role of this variant in disease. Therefore, it has been classified as a Variant of Uncertain Significance.

Literature cited by the submitters: PubMed 17576681; PubMed 9536098.